The following is an entry in ClinVar:

NM_153717.3(EVC):c.64_79del (p.Arg22fs)

Gene: EVC (EvC ciliary complex subunit 1; plus strand). Cytogenetic location: 4p16.2.
Variant type: Deletion.
Coding change: c.64_79del on transcript NM_153717.3 (MANE Select); coding-DNA positions 64 to 79, 16 bases deleted (CGGCCGGCGCCCGCCC).
Protein change: p.Arg22fs; shifts the reading frame from arginine 22.
Molecular consequence: frameshift variant.
Genome position (GRCh38, 1-based): chr4:5,711,444-5,711,459, CGGCCGGCGCCCGCCC deleted. VCF-style (leftmost placement, unchanged base first): chr4-5711443-GCGGCCGGCGCCCGCCC-G. GRCh37 (hg19) VCF-style: chr4-5713170-GCGGCCGGCGCCCGCCC-G.
Other names: c.64_79del, p.Arg22fs (NM_001306090.2, NM_001306092.2); short protein forms R22fs.
Identifiers: ClinVar variation 1726281 (VCV001726281.2), dbSNP rs2474194160, ClinGen allele CA2580070810.

ClinVar aggregate classification (germline): Likely pathogenic (1 of 4 stars; one submission).

Conditions:
Ellis-van Creveld syndrome (EVC). Also called: EVC-Related Ellis-van Creveld Syndrome; EVC2-Related Ellis-van Creveld Syndrome; MESOECTODERMAL DYSPLASIA; Chondroectodermal dysplasia. Identifiers: Orphanet 289, MedGen C0013903, MONDO:0009162, OMIM 225500.

Submission:

Myriad Genetics, Inc.
Classification: Likely pathogenic for Ellis-van Creveld syndrome. Last evaluated: 2021-12-10. Review status: criteria provided, single submitter. Criteria: Myriad Women's Health Autosomal Recessive and X-Linked Classification Criteria (2021). Collection method: clinical testing. Allele origin: unknown.
Comment: NM_153717.2(EVC):c.64_79del16(R22Cfs*89) is expected to be pathogenic in the context of EVC-related Ellis-van Creveld syndrome. This variant is predicted to lead to an abnormal or absent protein product due to the creation of a premature termination codon in EVC, a gene where loss-of-function variants are known to be pathogenic. Please note: this variant was assessed in the context of healthy population screening.